The following is an entry in ClinVar:

ClinVar aggregate classification (germline): Likely benign (1 of 4 stars; one submission).

Submission:

GeneDx
Classification: Likely benign. Last evaluated: 2019-12-24. Review status: criteria provided, single submitter. Criteria: GeneDx Variant Classification Process June 2021. Collection method: clinical testing. Allele origin: germline. Affected: yes.
Comment: See Variant Classification Assertion Criteria.

NM_181426.2(CCDC39):c.1666-58del

Gene: CCDC39 (coiled-coil domain 39 molecular ruler complex subunit; minus strand). Cytogenetic location: 3q26.33.
Variant type: Deletion.
Coding change: c.1666-58del on transcript NM_181426.2 (MANE Select); 58 bases into the intron before coding-DNA position 1666, one base deleted (A; older notation c.1666-58delA).
Molecular consequence: intron variant.
Genome position (GRCh38, 1-based): chr3:180,642,259, T deleted on the plus strand (A on the coding strand, the reverse complement: CCDC39 is on the minus strand); the first of 8 consecutive T bases (chr3:180,642,259-180,642,266); deleting any one gives the same sequence. VCF-style (leftmost placement, unchanged base first): chr3-180642258-AT-A. GRCh37 (hg19) VCF-style: chr3-180360046-AT-A.
Identifiers: ClinVar variation 1706803 (VCV001706803.2), dbSNP rs373765309, ClinGen allele CA88641450.